The following is an entry in ClinVar:

NM_000455.5(STK11):c.330C>A (p.Val110=)

Gene: STK11 (serine/threonine kinase 11; plus strand). Cytogenetic location: 19p13.3.
Variant type: single nucleotide variant.
Coding change: c.330C>A on transcript NM_000455.5 (MANE Select); coding-DNA position 330, C replaced by A.
Protein change: p.Val110=; no amino-acid change (valine 110 retained).
Molecular consequence: synonymous variant. On other transcripts: non-coding transcript variant (1).
Genome position (GRCh38, 1-based): chr19:1,218,456, C>A. VCF-style: chr19-1218456-C-A. GRCh37 (hg19) VCF-style: chr19-1218455-C-A.
Other names: c.330C>A, p.Val110= (NM_001407255.1).
Identifiers: ClinVar variation 2707321 (VCV002707321.4), dbSNP rs368548358, ClinGen allele CA504706549.

ClinVar aggregate classification (germline): Benign/Likely benign. Review status: criteria provided, multiple submitters, no conflicts (2 of 4 stars). 2 submissions from 2 submitters: Benign (1); Likely benign (1). Last evaluated 2025-03-25.

Conditions:
Peutz-Jeghers syndrome (PJS). Also called: POLYPOSIS, HAMARTOMATOUS INTESTINAL; POLYPS-AND-SPOTS SYNDROME; Peutz-Jeghers polyposis; Periorificial lentiginosis syndrome. Identifiers: Orphanet 2869, MedGen C0031269, MeSH D010580, MONDO:0008280, OMIM 175200.

Submissions (2):

Myriad Genetics, Inc.
Classification: Benign for Peutz-Jeghers syndrome. Last evaluated: 2025-03-25. Review status: criteria provided, single submitter. Criteria: Myriad Autosomal Dominant, Autosomal Recessive and X-Linked Classification Criteria (2023). Collection method: clinical testing. Allele origin: unknown.
Comment: This variant is considered benign. This variant is a silent/synonymous amino acid change and it is not expected to impact splicing.

Labcorp Genetics (formerly Invitae), Labcorp
Classification: Likely benign for Peutz-Jeghers syndrome. Last evaluated: 2024-01-04. Review status: criteria provided, single submitter. Criteria: Invitae Variant Classification Sherloc (09022015). Collection method: clinical testing. Allele origin: germline.